The following is an entry in ClinVar:

ClinVar aggregate classification (germline): Conflicting classifications of pathogenicity. Review status: criteria provided, conflicting classifications (1 of 4 stars). 6 submissions from 6 submitters: Uncertain significance (5); Likely benign (1). Last evaluated 2025-06-12.

Conditions:
Familial amyloid nephropathy with urticaria AND deafness (MWS). Also called: MUCKLE-WELLS SYNDROME; CRYOPYRIN-ASSOCIATED PERIODIC SYNDROME 2; Urticaria, deafness and amyloidosis; UDA SYNDROME; URTICARIA-DEAFNESS-AMYLOIDOSIS SYNDROME. Identifiers: Orphanet 575, MedGen C0268390, MONDO:0008633, OMIM 191900.
Familial cold autoinflammatory syndrome 1 (FCAS1). Also called: Familial cold inflammatory syndrome 1; CRYOPYRIN-ASSOCIATED PERIODIC SYNDROME 1. Identifiers: Orphanet 47045, MedGen C4551895, MONDO:0007349, OMIM 120100.
Keratitis fugax hereditaria. Also called: KERATOENDOTHELIITIS FUGAX HEREDITARIA. Identifiers: Orphanet 647815, MedGen C1835697, MONDO:0007849, OMIM 148200.
Chronic infantile neurological, cutaneous and articular syndrome (CINCA). Also called: CRYOPYRIN-ASSOCIATED PERIODIC SYNDROME 3; CHRONIC NEUROLOGIC CUTANEOUS AND ARTICULAR SYNDROME; Prieur Griscelli syndrome; CINCA syndrome. Identifiers: Orphanet 1451, MedGen C0409818, MONDO:0011776, OMIM 607115.
Hearing loss, autosomal dominant 34, with or without inflammation. Also called: DEAFNESS, AUTOSOMAL DOMINANT 34, WITH OR WITHOUT INFLAMMATION. Identifiers: MedGen C4521680, MONDO:0033261, OMIM 617772.
Autoinflammatory syndrome. Identifiers: Orphanet 93665, MedGen C3890737, MONDO:0019751.
Inborn genetic diseases. Identifiers: MedGen C0950123, MeSH D030342.
Cryopyrin associated periodic syndrome (CAPS). Identifiers: Orphanet 208650, MedGen C2316212, MONDO:0016168.

Allele frequency attached by ClinVar (database versions not stated): ExAC 0.00001; gnomAD exomes 0.00002; gnomAD 0.00009; TOPMed 0.00012; 1000 Genomes Project 30x 0.00016; 1000 Genomes Project 0.00020.
gnomAD v4.1: 30 of 1,609,752 alleles (0.0019%); highest among the groups gnomAD compares: African/African-American, 0.025%; no homozygotes.

Submissions (6):

Labcorp Genetics (formerly Invitae), Labcorp
Classification: Likely benign for Cryopyrin associated periodic syndrome. Last evaluated: 2025-06-12. Review status: criteria provided, single submitter. Criteria: Invitae Variant Classification Sherloc (09022015). Collection method: clinical testing. Allele origin: germline.

Blueprint Genetics
Classification: Uncertain significance. Last evaluated: 2024-07-15. Review status: criteria provided, single submitter. Criteria: ACMG Guidelines, 2015. Collection method: clinical testing. Allele origin: germline.

GeneDx
Classification: Uncertain significance. Last evaluated: 2023-11-29. Review status: criteria provided, single submitter. Criteria: GeneDx Variant Classification Process June 2021. Collection method: clinical testing. Allele origin: germline. Affected: yes.
Comment: In silico analysis supports that this missense variant does not alter protein structure/function; Has not been previously published as pathogenic or benign to our knowledge; Also known as p.(P707Q)

Ambry Genetics
Classification: Uncertain significance for Inborn genetic diseases. Last evaluated: 2020-10-22. Review status: criteria provided, single submitter. Criteria: Ambry Variant Classification Scheme 2023. Collection method: clinical testing. Allele origin: germline.
Comment: The c.2126C>A (p.P709Q) alteration is located in exon 3 (coding exon 3) of the NLRP3 gene. This alteration results from a C to A substitution at nucleotide position 2126, causing the proline (P) at amino acid position 709 to be replaced by a glutamine (Q). Based on data from the Genome Aggregation Database (gnomAD) database, the NLRP3 c.2126C>A alteration was observed in <0.01% (5/247884) of total alleles studied, with a frequency of 0.02% (3/16238) in the African subpopulation. This amino acid position is not well conserved in available vertebrate species. The p.P709Q alteration is predicted to be tolerated by in silico analysis. Based on insufficient or conflicting evidence, the clinical significance of this alteration remains unclear.

Genome Diagnostics Laboratory, The Hospital for Sick Children
Classification: Uncertain significance for Autoinflammatory syndrome. Last evaluated: 2019-11-01. Review status: criteria provided, single submitter. Criteria: ACMG Guidelines, 2015. Collection method: clinical testing. Allele origin: germline. Affected: yes.

Fulgent Genetics
Classification: Uncertain significance for Familial cold autoinflammatory syndrome 1; Keratitis fugax hereditaria; Familial amyloid nephropathy with urticaria AND deafness; Chronic infantile neurological, cutaneous and articular syndrome; Hearing loss, autosomal dominant 34, with or without inflammation. Last evaluated: 2018-10-31. Review status: criteria provided, single submitter. Criteria: ACMG Guidelines, 2015. Collection method: clinical testing. Allele origin: unknown.

NM_001243133.2(NLRP3):c.2120C>A (p.Pro707Gln)

Gene: NLRP3 (NLR family pyrin domain containing 3; plus strand). Cytogenetic location: 1q44.
Variant type: single nucleotide variant.
Coding change: c.2120C>A on transcript NM_001243133.2 (MANE Select); coding-DNA position 2120, C replaced by A.
Protein change: p.Pro707Gln; replaces proline 707 with glutamine.
Molecular consequence: missense variant.
Genome position (GRCh38, 1-based): chr1:247,425,569, C>A. VCF-style: chr1-247425569-C-A. GRCh37 (hg19) VCF-style: chr1-247588871-C-A.
Other names: c.2120C>A, p.Pro707Gln (NM_001079821.3, NM_001127461.3, NM_001127462.3 and 1 more transcripts); c.2126C>A, p.Pro709Gln (NM_004895.5); short protein forms P709Q, P707Q.
Identifiers: ClinVar variation 583341 (VCV000583341.17), dbSNP rs200378519, ClinGen allele CA1495114.